The following is an entry in ClinVar:

NM_024422.6(DSC2):c.2251-49T>C

Gene: DSC2 (desmocollin 2; minus strand). Cytogenetic location: 18q12.1.
Variant type: single nucleotide variant.
Coding change: c.2251-49T>C on transcript NM_024422.6 (MANE Select); 49 bases into the intron before coding-DNA position 2251, T replaced by C.
Molecular consequence: intron variant.
Genome position (GRCh38, 1-based): chr18:31,069,200, A>G on the plus strand (T>C on the coding strand, the complement: DSC2 is on the minus strand). VCF-style: chr18-31069200-A-G. GRCh37 (hg19) VCF-style: chr18-28649166-A-G.
Other names: c.2251-49T>C (NM_004949.5, NM_024422.4).
Identifiers: ClinVar variation 261707 (VCV000261707.4), dbSNP rs1893962, ClinGen allele CA035883.

ClinVar aggregate classification (germline): Benign. Review status: criteria provided, multiple submitters, no conflicts (2 of 4 stars). 4 submissions from 4 submitters: Benign (4). Last evaluated 2026-09-21.

Allele frequency attached by ClinVar (database versions not stated): ESP Exome Variant Server 0.04478; TOPMed 0.05797; gnomAD exomes 0.06681 and 0.05901; gnomAD 0.05372 and 0.05255; ExAC 0.06342; 1000 Genomes Project 0.06110; 1000 Genomes Project 30x 0.06277.
gnomAD v4.1: 94,010 of 1,611,092 alleles (5.8%); highest among the groups gnomAD compares: Admixed American, 13%; 3,160 homozygotes.

Submissions (4):

Molecular Diagnostic Laboratory for Inherited Cardiovascular Disease, Montreal Heart Institute
Classification: Benign. Last evaluated: 2026-09-21. Review status: criteria provided, single submitter. Criteria: ACMG Guidelines, 2015. Collection method: clinical testing. Allele origin: germline. Affected: no.

GeneDx
Classification: Benign. Last evaluated: 2018-06-14. Review status: criteria provided, single submitter. Criteria: GeneDx Variant Classification (06012015). Collection method: clinical testing. Allele origin: germline. Affected: yes.
Comment: This variant is considered likely benign or benign based on one or more of the following criteria: it is a conservative change, it occurs at a poorly conserved position in the protein, it is predicted to be benign by multiple in silico algorithms, and/or has population frequency not consistent with disease.

Breakthrough Genomics
Classification: Benign. Review status: criteria provided, single submitter. Criteria: ACMG Guidelines, 2015. Collection method: not provided. Allele origin: germline. Inheritance: Autosomal dominant inheritance. Affected: yes.

PreventionGenetics, part of Exact Sciences
Classification: Benign. Review status: criteria provided, single submitter. Criteria: ACMG Guidelines, 2015. Collection method: clinical testing. Allele origin: germline.